The following is an entry in ClinVar:

NM_001252024.2(TRPM1):c.4465A>T (p.Thr1489Ser)

Gene: TRPM1 (transient receptor potential cation channel subfamily M member 1; minus strand). Cytogenetic location: 15q13.3.
Variant type: single nucleotide variant.
Coding change: c.4465A>T on transcript NM_001252024.2 (MANE Select); coding-DNA position 4465, A replaced by T.
Protein change: p.Thr1489Ser; replaces threonine 1489 with serine.
Molecular consequence: missense variant.
Genome position (GRCh38, 1-based): chr15:31,002,235, T>A on the plus strand (A>T on the coding strand, the complement: TRPM1 is on the minus strand). VCF-style: chr15-31002235-T-A. GRCh37 (hg19) VCF-style: chr15-31294438-T-A.
Other names: c.4516A>T, p.Thr1506Ser (NM_001252020.2); c.4399A>T, p.Thr1467Ser (NM_002420.6); short protein forms T1467S, T1489S, T1506S.
Identifiers: ClinVar variation 1509966 (VCV001509966.6), dbSNP rs2031800185, ClinGen allele CA391523742.

ClinVar aggregate classification (germline): Uncertain significance (1 of 4 stars; one submission).

Allele frequency attached by ClinVar (database versions not stated): gnomAD 0.00001.

Submission:

Labcorp Genetics (formerly Invitae), Labcorp
Classification: Uncertain significance. Last evaluated: 2021-09-04. Review status: criteria provided, single submitter. Criteria: Invitae Variant Classification Sherloc (09022015). Collection method: clinical testing. Allele origin: germline.
Comment: Algorithms developed to predict the effect of missense changes on protein structure and function (SIFT, PolyPhen-2, Align-GVGD) all suggest that this variant is likely to be tolerated. In summary, the available evidence is currently insufficient to determine the role of this variant in disease. Therefore, it has been classified as a Variant of Uncertain Significance. This variant has not been reported in the literature in individuals affected with TRPM1-related conditions. This variant is not present in population databases (ExAC no frequency). This sequence change replaces threonine with serine at codon 1467 of the TRPM1 protein (p.Thr1467Ser). The threonine residue is moderately conserved and there is a small physicochemical difference between threonine and serine.